The following is an entry in ClinVar:

NM_001130987.2(DYSF):c.1609G>A (p.Gly537Arg)

Gene: DYSF (dysferlin; plus strand). Cytogenetic location: 2p13.2.
Variant type: single nucleotide variant.
Coding change: c.1609G>A on transcript NM_001130987.2 (MANE Select); coding-DNA position 1609, G replaced by A.
Protein change: p.Gly537Arg; replaces glycine 537 with arginine.
Molecular consequence: missense variant.
Genome position (GRCh38, 1-based): chr2:71,551,073, G>A. VCF-style: chr2-71551073-G-A. GRCh37 (hg19) VCF-style: chr2-71778203-G-A.
Other names: NM_001130987.2(DYSF):c.1609G>A; p.Gly537Arg; c.1558G>A, p.Gly520Arg (NM_001130455.2, NM_001130983.2); c.1513G>A, p.Gly505Arg (NM_001130976.2, NM_001130977.2); c.1555G>A, p.Gly519Arg (NM_001130978.2, NM_003494.4); c.1648G>A, p.Gly550Arg (NM_001130979.2); c.1606G>A, p.Gly536Arg (NM_001130980.2, NM_001130981.2); c.1651G>A, p.Gly551Arg (NM_001130982.2); and 2 more; short protein forms G519R, G537R, G520R, G506R, G536R, G550R, G505R, G551R.
Identifiers: ClinVar variation 6679 (VCV000006679.20), dbSNP rs121908962, ClinGen allele CA253913.

ClinVar aggregate classification (germline): Pathogenic. Review status: reviewed by expert panel (3 of 4 stars). 8 submissions from 8 submitters: Pathogenic (1). 7 of the submissions do not count toward it. Last evaluated 2025-07-15.

Conditions:
Autosomal recessive limb-girdle muscular dystrophy. Identifiers: Orphanet 102015, MedGen C2931907, MONDO:0015152.
Neuromuscular disease caused by qualitative or quantitative defects of dysferlin. Also called: Dysferlinopathy; Qualitative or quantitative defects of dysferlin. Identifiers: Orphanet 207073, MedGen C2931687, MONDO:0016145.
Miyoshi muscular dystrophy 1 (MMD1). Identifiers: Orphanet 45448, MedGen C4551973, MONDO:0024545, OMIM 254130.

Allele frequency attached by ClinVar (database versions not stated): TOPMed below 0.00001; gnomAD 0.00001; gnomAD exomes 0.00001.
gnomAD v4.1: 8 of 1,613,994 alleles (0.0005%); highest among the groups gnomAD compares: Non-Finnish European, 0.00068%; no homozygotes.

Submissions (8):

ClinGen Limb Girdle Muscular Dystrophy Variant Curation Expert Panel, ClinGen
Classification: Pathogenic for Autosomal recessive limb-girdle muscular dystrophy. Last evaluated: 2025-07-15. Review status: reviewed by expert panel. Criteria: ClinGen LGMD VCEP ACMG Specifications DYSF V1.0.0. Collection method: curation. Allele origin: germline. Inheritance: Autosomal recessive inheritance.
Comment: The NM_003494.4: c.1555G>A variant in DYSF, which is also known as NM_001130987.2: c.1609G>A p.(Gly537Arg), is a missense variant expected to cause substitution of glycine at position 519 for arginine, p.(Gly519Arg). While this variant is not located in a splice region, SpliceAI gives a score of 0.48 for disruption of the splice acceptor site for exon 18 and 0.990 for the creation of a cryptic acceptor within the exon. Both cDNA and mini-gene analyses have demonstrated that this variant induces use of the cryptic acceptor splice site, causing deletion of 34 bp from the 5' side of exon 18, r.1523_1556del. This deletion is expected to result in a frameshift and premature truncation, p.Leu508CysfsTer108, with nonsense mediated decay predicted (PMID: 25312915, 17070050; PVS1_RNA). This variant has been reported in two unrelated individuals with features consistent with LGMD (PMID: 17070050, 17287450, 30107846), including in a homozygous state in a patient without reported familial consanguinity (0.5 pts, PMID: 17070050, 17287450; PM3_Supporting). At least one patient homozygous for this variant had a clinical diagnosis of LGMD/Miyoshi myopathy and absent dysferlin protein expression in skeletal muscle and blood monocytes, which is highly specific for DYSF-associated LGMD (PMID: 17287450, 17070050; PP4_Strong). In addition, this variant co-segregated with the disease in one affected family member (PMID: 17287450, 17070050; PP1). The filtering allele frequency for this variant is 0.000011824 in gnomAD v4.1.0 exomes (the upper bound of the 95% CI of 7/1111986 European (non-Finnish) alleles), which is lower than the LGMD VCEP threshold for PM2_Supporting, meeting this criterion (PM2_Supporting). The REVEL score for this variant is 0.9, suggesting a deleterious effect of the predicted amino acid change. Immunofluorescence and 2-A assays of dysferlin membrane localization in HEK293T cells also showed the Gly519Arg protein did not reach the cell membrane, indicating a negative impact on protein function (PMID: 35028538). However, given the experimental data indicating this variant affects splicing, PP3 and PS3_Moderate were not applied. In summary, this variant meets the criteria to be classified as Pathogenic for autosomal recessive limb girdle muscular dystrophy based on the ACMG/AMP criteria applied, as specified by the ClinGen LGMD VCEP (LGMD VCEP specifications version 1.0.0; 07/15/2025): PVS1_RNA, PM3_Supporting, PP4_Strong, PP1, PM2_Supporting.

Labcorp Genetics (formerly Invitae), Labcorp
Classification: Pathogenic for Neuromuscular disease caused by qualitative or quantitative defects of dysferlin. Last evaluated: 2025-01-30. Review status: criteria provided, single submitter. Criteria: Invitae Variant Classification Sherloc (09022015). Collection method: clinical testing. Allele origin: germline. Not counted in ClinVar's aggregate classification.
Comment: This sequence change replaces glycine, which is neutral and non-polar, with arginine, which is basic and polar, at codon 519 of the DYSF protein (p.Gly519Arg). This variant is not present in population databases (gnomAD no frequency). This missense change has been observed in individual(s) with distal myopathy (PMID: 30107846). In at least one individual the data is consistent with being in trans (on the opposite chromosome) from a pathogenic variant. ClinVar contains an entry for this variant (Variation ID: 6679). Invitae Evidence Modeling of protein sequence and biophysical properties (such as structural, functional, and spatial information, amino acid conservation, physicochemical variation, residue mobility, and thermodynamic stability) indicates that this missense variant is expected to disrupt DYSF protein function with a positive predictive value of 95%. Algorithms developed to predict the effect of sequence changes on RNA splicing suggest that this variant may disrupt the consensus splice site. For these reasons, this variant has been classified as Pathogenic.

Women's Health and Genetics/Laboratory Corporation of America, LabCorp
Classification: Pathogenic for Autosomal recessive limb-girdle muscular dystrophy. Last evaluated: 2024-12-03. Review status: criteria provided, single submitter. Criteria: LabCorp Variant Classification Summary - May 2015. Collection method: clinical testing. Allele origin: germline. Not counted in ClinVar's aggregate classification.
Comment: Variant summary: DYSF c.1555G>A (p.Gly519Arg) results in a non-conservative amino acid change located in the C2 domain of the encoded protein sequence. Five of five in-silico tools predict a damaging effect of the variant on protein function. Several computational tools predict a significant impact on normal splicing: Four predict the variant strengthens a cryptic 3' acceptor site. At least one publication reports experimental evidence that this variant affects mRNA splicing by the creation of a new 3' splice site, resulting in a deletion of 34 bp in the 5 extremity of exon 18 (DeLuna_2007). The variant was absent in 251438 control chromosomes. c.1555G>A has been reported in the literature in individuals affected with Limb-Girdle Muscular Dystrophy, Autosomal Recessive (example: Illa_2007, Wang_2018). These data indicate that the variant is likely to be associated with disease. The following publications have been ascertained in the context of this evaluation (PMID: 17287450, 17070050, 30107846). ClinVar contains an entry for this variant (Variation ID: 6679). Based on the evidence outlined above, the variant was classified as pathogenic.

Kariminejad - Najmabadi Pathology & Genetics Center
Classification: Pathogenic for Miyoshi muscular dystrophy 1. Last evaluated: 2023-02-14. Review status: criteria provided, single submitter. Criteria: ACMG Guidelines, 2015. Collection method: clinical testing. Allele origin: germline. Inheritance: Autosomal recessive inheritance. Affected: yes. Not counted in ClinVar's aggregate classification.
Comment: [PM2 PP3 PP5]+PS3 ???PP1???

GeneDx
Classification: Pathogenic. Last evaluated: 2016-09-26. Review status: criteria provided, single submitter. Criteria: GeneDx Variant Classification (06012015). Collection method: clinical testing. Allele origin: germline. Affected: yes. Not counted in ClinVar's aggregate classification.
Comment: The c.1555 G>A pathogenic variant in the DYSF gene has been previously reported in the homozygous state in two siblings with Miyoshi myopathy and absent dysferlin expression on Western blot. Additionally, it was observed in the heterozygous state in their father with calf myalgias and progressive difficulty with walking (Illa et al., 2007). Functional studies demonstrate the c.1555 G>A variant creates a new splice acceptor site resulting in an out-of-frame deletion of 35 base pairs in exon 18 (De Luna et al., 2007; Kergourlay et al., 2014). This variant was not observed in approximately 6,500 individuals of European and African American ancestry in the NHLBI Exome Sequencing Project, indicating it is not a common benign variant in these populations.

Eurofins Ntd Llc (ga)
Classification: Uncertain significance. Last evaluated: 2015-07-02. Review status: criteria provided, single submitter. Criteria: EGL Classification Definitions 2015. Collection method: clinical testing. Allele origin: germline. Observed: 1 variant allele, 1 heterozygote. Not counted in ClinVar's aggregate classification.

Department of Neurology, Guangzhou First People’s Hospital, School of Medicine, South China University of Technology
Classification: Pathogenic. Last evaluated: 2019-07-01. Review status: no assertion criteria provided. Collection method: reference population. Allele origin: paternal. Affected: yes. Not counted in ClinVar's aggregate classification.

OMIM
Classification: Pathogenic for MIYOSHI MUSCULAR DYSTROPHY 1. Last evaluated: 2007-04-17. Review status: no assertion criteria provided. Collection method: literature only. Allele origin: germline. Not counted in ClinVar's aggregate classification.

Literature cited by the submitters: PubMed 30107846 (cited by Labcorp Genetics (formerly Invitae), Labcorp and Women's Health and Genetics/Laboratory Corporation of America, LabCorp); PubMed 17070050 (cited by Women's Health and Genetics/Laboratory Corporation of America, LabCorp and Eurofins Ntd Llc (ga)); PubMed 17287450 (cited by Women's Health and Genetics/Laboratory Corporation of America, LabCorp and OMIM); PubMed 25312915 (cited by Department of Neurology, Guangzhou First People’s Hospital, School of Medicine, South China University of Technology).